The following is an entry in ClinVar:

ClinVar aggregate classification (germline): Benign/Likely benign. Review status: criteria provided, multiple submitters, no conflicts (2 of 4 stars). 2 submissions from 2 submitters: Benign (1); Likely benign (1). Last evaluated 2026-08-18.

Conditions:
Hereditary cancer-predisposing syndrome. Also called: Tumor predisposition; Hereditary Cancer Syndrome; Hereditary neoplastic syndrome; Neoplastic Syndromes, Hereditary. Identifiers: Orphanet 140162, MedGen C0027672, MeSH D009386, MONDO:0015356.
Familial cancer of breast. Also called: Hereditary breast cancer; BREAST CANCER, FAMILIAL; hereditary breast carcinoma. Identifiers: Orphanet 227535, MedGen C0346153, MONDO:0016419, OMIM 114480. Disease mechanism: loss of function.

Submissions (2):

Ambry Genetics
Classification: Likely benign for Hereditary cancer-predisposing syndrome. Last evaluated: 2026-08-18. Review status: criteria provided, single submitter. Criteria: Ambry Variant Classification Scheme 2023. Collection method: clinical testing. Allele origin: germline.

Myriad Genetics, Inc.
Classification: Benign for Familial cancer of breast. Last evaluated: 2024-09-04. Review status: criteria provided, single submitter. Criteria: Myriad Autosomal Dominant, Autosomal Recessive and X-Linked Classification Criteria (2023). Collection method: clinical testing. Allele origin: unknown.
Comment: This variant is considered benign. This variant is a silent/synonymous amino acid change and it is not expected to impact splicing.

NM_032043.3(BRIP1):c.2269C>T (p.Leu757=)

Gene: BRIP1 (BRCA1 interacting DNA helicase 1; minus strand). Cytogenetic location: 17q23.2.
Variant type: single nucleotide variant.
Coding change: c.2269C>T on transcript NM_032043.3 (MANE Select); coding-DNA position 2269, C replaced by T.
Protein change: p.Leu757=; no amino-acid change (leucine 757 retained).
Molecular consequence: synonymous variant.
Genome position (GRCh38, 1-based): chr17:61,743,123, G>A on the plus strand (C>T on the coding strand, the complement: BRIP1 is on the minus strand). VCF-style: chr17-61743123-G-A. GRCh37 (hg19) VCF-style: chr17-59820484-G-A.
Identifiers: ClinVar variation 3378538 (VCV003378538.2).